The following is an entry in ClinVar:

ClinVar aggregate classification (germline): Uncertain significance. Review status: criteria provided, multiple submitters, no conflicts (2 of 4 stars). 2 submissions from 2 submitters: Uncertain significance (2). Last evaluated 2025-10-17.

Conditions:
Hereditary cancer-predisposing syndrome. Also called: Hereditary Cancer Syndrome; Hereditary neoplastic syndrome; Tumor predisposition; Neoplastic Syndromes, Hereditary. Identifiers: Orphanet 140162, MedGen C0027672, MeSH D009386, MONDO:0015356.
Hereditary breast ovarian cancer syndrome. Also called: Hereditary breast and ovarian cancer syndrome; BRCA1- and BRCA2-Associated Hereditary Breast and Ovarian Cancer; Breast and ovarian cancer; Hereditary breast and ovarian cancer; Hereditary breast and ovarian cancer syndrome (HBOC); Hereditary breast and/or ovarian cancer syndrome. Identifiers: Orphanet 145, MedGen C0677776, MeSH D061325, MONDO:0003582. Disease mechanism: loss of function.

gnomAD v4.1: 1 of 1,613,932 alleles (0.000062%); highest among the groups gnomAD compares: East Asian, 0.0022%; no homozygotes.

Submissions (2):

Labcorp Genetics (formerly Invitae), Labcorp
Classification: Uncertain significance for Hereditary breast ovarian cancer syndrome. Last evaluated: 2025-10-17. Review status: criteria provided, single submitter. Criteria: Invitae Variant Classification Sherloc (09022015). Collection method: clinical testing. Allele origin: germline.
Comment: This sequence change replaces glutamic acid, which is acidic and polar, with glutamine, which is neutral and polar, at codon 597 of the BRCA1 protein (p.Glu597Gln). This variant is not present in population databases (gnomAD no frequency). This variant has not been reported in the literature in individuals affected with BRCA1-related conditions. ClinVar contains an entry for this variant (Variation ID: 2906972). Invitae Evidence Modeling of protein sequence and biophysical properties (such as structural, functional, and spatial information, amino acid conservation, physicochemical variation, residue mobility, and thermodynamic stability) indicates that this missense variant is expected to disrupt BRCA1 protein function with a positive predictive value of 80%. In summary, the available evidence is currently insufficient to determine the role of this variant in disease. Therefore, it has been classified as a Variant of Uncertain Significance.

Ambry Genetics
Classification: Uncertain significance for Hereditary cancer-predisposing syndrome. Last evaluated: 2024-10-10. Review status: criteria provided, single submitter. Criteria: Ambry Variant Classification Scheme 2023. Collection method: clinical testing. Allele origin: germline.
Comment: The p.E597Q variant (also known as c.1789G>C), located in coding exon 9 of the BRCA1 gene, results from a G to C substitution at nucleotide position 1789. The glutamic acid at codon 597 is replaced by glutamine, an amino acid with highly similar properties. This amino acid position is well conserved in available vertebrate species. In addition, the in silico prediction for this alteration is inconclusive. Based on the available evidence, the clinical significance of this variant remains unclear.

NM_007294.4(BRCA1):c.1789G>C (p.Glu597Gln)

Gene: BRCA1 (BRCA1 DNA repair associated; minus strand). Cytogenetic location: 17q21.31.
Variant type: single nucleotide variant.
Coding change: c.1789G>C on transcript NM_007294.4 (MANE Select); coding-DNA position 1789, G replaced by C.
Protein change: p.Glu597Gln; replaces glutamic acid 597 with glutamine.
Molecular consequence: missense variant. On other transcripts: intron variant (137).
Genome position (GRCh38, 1-based): chr17:43,093,742, C>G on the plus strand (G>C on the coding strand, the complement: BRCA1 is on the minus strand). VCF-style: chr17-43093742-C-G. GRCh37 (hg19) VCF-style: chr17-41245759-C-G.
Other names: c.1576G>C, p.Glu526Gln (NM_001407571.1, NM_001407853.1, NM_001407894.1 and 9 more transcripts); c.1789G>C, p.Glu597Gln (NM_001407581.1, NM_001407582.1, NM_001407583.1 and 30 more transcripts); c.1786G>C, p.Glu596Gln (NM_001407587.1, NM_001407590.1, NM_001407591.1 and 22 more transcripts); c.1780G>C, p.Glu594Gln (NM_001407646.1, NM_001407647.1); c.1666G>C, p.Glu556Gln (NM_001407648.1, NM_001407664.1, NM_001407665.1 and 19 more transcripts); c.1663G>C, p.Glu555Gln (NM_001407649.1, NM_001407670.1, NM_001407671.1 and 11 more transcripts); c.1711G>C, p.Glu571Gln (NM_001407653.1, NM_001407654.1, NM_001407655.1 and 4 more transcripts); c.1708G>C, p.Glu570Gln (NM_001407659.1, NM_001407660.1, NM_001407661.1 and 1 more transcripts); and 40 more; short protein forms E301Q, E470Q, E486Q, E509Q, E529Q, E550Q, E527Q, E530Q.
Identifiers: ClinVar variation 2906972 (VCV002906972.4), dbSNP rs55650082, ClinGen allele CA10598443.
Genomic context (GRCh38, chr17:43,093,742, plus strand): 5'-TAGAAGACTTCCTCCTCAGCCTATTCTTTTTAGGTGCTTTTGAATTGTGGATATTTAATT[C>G]GAGTTCCATATTGCTTATACTGCTGCTTATAGGTTCAGCTTTCGTTTTGAAAGCAGATTC-3'
Protein context (NP_009225.1, residues 587-607): ISSSISNMEL[Glu597Gln]LNIHNSKAPK